The following is an entry in ClinVar:

NM_001267550.2(TTN):c.95884A>G (p.Asn31962Asp)

Genes: TTN (titin; minus strand), TTN-AS1 (TTN antisense RNA 1; plus strand). Cytogenetic location: 2q31.2.
Variant type: single nucleotide variant.
Coding change: c.95884A>G on transcript NM_001267550.2 (MANE Select); coding-DNA position 95884, A replaced by G.
Protein change: p.Asn31962Asp; replaces asparagine 31962 with aspartic acid.
Molecular consequence: missense variant.
Genome position (GRCh38, 1-based): chr2:178,544,345, T>C on the plus strand (A>G on the coding strand, the complement: TTN is on the minus strand). VCF-style: chr2-178544345-T-C. GRCh37 (hg19) VCF-style: chr2-179409072-T-C.
Other names: p.Asn29394Asp; c.90961A>G, p.Asn30321Asp (NM_001256850.1); c.68689A>G, p.Asn22897Asp (NM_003319.4); c.88180A>G, p.Asn29394Asp (NM_133378.4); c.69064A>G, p.Asn23022Asp (NM_133432.3); c.69265A>G, p.Asn23089Asp (NM_133437.4); short protein forms N30321D, N31962D, N23022D, N22897D, N23089D, N29394D.
Identifiers: ClinVar variation 516026 (VCV000516026.11), dbSNP rs369087584, ClinGen allele CA1986859.

ClinVar aggregate classification (germline): Conflicting classifications of pathogenicity. Review status: criteria provided, conflicting classifications (1 of 4 stars). 6 submissions from 6 submitters: Uncertain significance (3); Likely benign (3). Last evaluated 2026-07-21.

Conditions:
TTN-related disorder. Also called: TTN-related condition; TTN-related disease; TTN-related disorders.
Cardiovascular phenotype. Identifiers: MedGen CN230736.

Allele frequency attached by ClinVar (database versions not stated): gnomAD exomes 0.00003 and 0.00002; ESP Exome Variant Server 0.00008; gnomAD 0.00019 and 0.00024; TOPMed 0.00023; ExAC 0.00003.
gnomAD v4.1: 59 of 1,613,692 alleles (0.0037%); highest among the groups gnomAD compares: African/African-American, 0.075%; no homozygotes.

Submissions (6):

PreventionGenetics, part of Exact Sciences
Classification: Uncertain significance for TTN-related condition. Last evaluated: 2026-07-21. Review status: criteria provided, single submitter. Criteria: ACMG Guidelines, 2015. Collection method: clinical testing. Allele origin: germline.
Comment: The TTN c.95884A>G variant is predicted to result in the amino acid substitution p.Asn31962Asp. To our knowledge, this variant has not been reported in the literature. This variant is reported in 0.045% of alleles in individuals of African descent in gnomAD. At this time, the clinical significance of this variant is uncertain due to the absence of conclusive functional and genetic evidence.

Revvity Omics, Revvity
Classification: Uncertain significance. Last evaluated: 2025-05-15. Review status: criteria provided, single submitter. Criteria: ACMG Guidelines, 2015. Collection method: clinical testing. Allele origin: germline.

Molecular Diagnostic Laboratory for Inherited Cardiovascular Disease, Montreal Heart Institute
Classification: Likely benign. Last evaluated: 2025-04-09. Review status: criteria provided, single submitter. Criteria: ACMG Guidelines, 2015. Collection method: clinical testing. Allele origin: germline. Affected: no.

Mayo Clinic Laboratories, Mayo Clinic
Classification: Uncertain significance. Last evaluated: 2021-07-27. Review status: criteria provided, single submitter. Criteria: ACMG Guidelines, 2015. Collection method: clinical testing. Allele origin: germline.

Ambry Genetics
Classification: Likely benign for Cardiovascular phenotype. Last evaluated: 2020-08-17. Review status: criteria provided, single submitter. Criteria: Ambry Variant Classification Scheme 2023. Collection method: clinical testing. Allele origin: germline.

GeneDx
Classification: Likely benign. Last evaluated: 2018-03-12. Review status: criteria provided, single submitter. Criteria: GeneDx Variant Classification (06012015). Collection method: clinical testing. Allele origin: germline. Affected: yes.
Comment: This variant is considered likely benign or benign based on one or more of the following criteria: it is a conservative change, it occurs at a poorly conserved position in the protein, it is predicted to be benign by multiple in silico algorithms, and/or has population frequency not consistent with disease.